The following is an entry in ClinVar:

NM_006648.4(WNK2):c.92C>T (p.Ala31Val)

Gene: WNK2 (WNK lysine deficient protein kinase 2; plus strand). Cytogenetic location: 9q22.31.
Variant type: single nucleotide variant.
Coding change: c.92C>T on transcript NM_006648.4 (MANE Select); coding-DNA position 92, C replaced by T.
Protein change: p.Ala31Val; replaces alanine 31 with valine.
Molecular consequence: missense variant.
Genome position (GRCh38, 1-based): chr9:93,185,021, C>T. VCF-style: chr9-93185021-C-T. GRCh37 (hg19) VCF-style: chr9-95947303-C-T.
Other names: c.92C>T, p.Ala31Val (NM_001282394.3); short protein forms A31V.
Identifiers: ClinVar variation 3816700 (VCV003816700.1).

ClinVar aggregate classification (germline): Uncertain significance (1 of 4 stars; one submission).

gnomAD v4.1: 2 of 1,254,562 alleles (0.00016%); highest among the groups gnomAD compares: African/African-American, 0.0016%; no homozygotes.

Submission:

Ambry Genetics
Classification: Uncertain significance. Last evaluated: 2025-01-03. Review status: criteria provided, single submitter. Criteria: Ambry Variant Classification Scheme 2023. Collection method: clinical testing. Allele origin: germline.
Comment: The p.A31V variant (also known as c.92C>T), located in coding exon 1 of the WNK2 gene, results from a C to T substitution at nucleotide position 92. The alanine at codon 31 is replaced by valine, an amino acid with similar properties. This amino acid position is conserved. In addition, this alteration is predicted to be tolerated by in silico analysis. Based on the available evidence, the clinical significance of this variant remains unclear.